The following is an entry in ClinVar:

NM_001113378.2(FANCI):c.1955T>G (p.Leu652Arg)

Gene: FANCI (FA complementation group I; plus strand). Cytogenetic location: 15q26.1.
Variant type: single nucleotide variant.
Coding change: c.1955T>G on transcript NM_001113378.2 (MANE Select); coding-DNA position 1955, T replaced by G.
Protein change: p.Leu652Arg; replaces leucine 652 with arginine.
Molecular consequence: missense variant.
Genome position (GRCh38, 1-based): chr15:89,291,677, T>G. VCF-style: chr15-89291677-T-G. GRCh37 (hg19) VCF-style: chr15-89834908-T-G.
Other names: c.1676T>G, p.Leu559Arg (NM_001376910.1); c.1955T>G, p.Leu652Arg (NM_001376911.1, NM_018193.3); short protein forms L559R, L652R.
Identifiers: ClinVar variation 1444771 (VCV001444771.4), dbSNP rs2151709881, ClinGen allele CA393748760.

ClinVar aggregate classification (germline): Uncertain significance (1 of 4 stars; one submission).

Conditions:
Fanconi anemia (FA). Also called: Fanconi's anemia. Identifiers: Orphanet 84, MedGen C0015625, MeSH D005199, MONDO:0019391.

gnomAD v4.1: 1 of 1,613,896 alleles (0.000062%); highest among the groups gnomAD compares: Non-Finnish European, 0.000085%; no homozygotes.

Submission:

Labcorp Genetics (formerly Invitae), Labcorp
Classification: Uncertain significance for Fanconi anemia. Last evaluated: 2025-05-12. Review status: criteria provided, single submitter. Criteria: Invitae Variant Classification Sherloc (09022015). Collection method: clinical testing. Allele origin: germline.
Comment: This sequence change replaces leucine, which is neutral and non-polar, with arginine, which is basic and polar, at codon 652 of the FANCI protein (p.Leu652Arg). This variant is not present in population databases (gnomAD no frequency). This variant has not been reported in the literature in individuals affected with FANCI-related conditions. ClinVar contains an entry for this variant (Variation ID: 1444771). Invitae Evidence Modeling of protein sequence and biophysical properties (such as structural, functional, and spatial information, amino acid conservation, physicochemical variation, residue mobility, and thermodynamic stability) indicates that this missense variant is not expected to disrupt FANCI protein function with a negative predictive value of 80%. In summary, the available evidence is currently insufficient to determine the role of this variant in disease. Therefore, it has been classified as a Variant of Uncertain Significance.